The following is an entry in ClinVar:

ClinVar aggregate classification (germline): Conflicting classifications of pathogenicity. Review status: criteria provided, conflicting classifications (1 of 4 stars). 2 submissions from 2 submitters: Uncertain significance (1); Likely benign (1). Last evaluated 2026-02-06.

Conditions:
Alstrom syndrome (ALMS). Identifiers: Orphanet 64, MedGen C0268425, MONDO:0008763, OMIM 203800.
Cardiovascular phenotype. Identifiers: MedGen CN230736.

Allele frequency attached by ClinVar (database versions not stated): gnomAD 0.00002; TOPMed 0.00003.
gnomAD v4.1: 5 of 1,612,296 alleles (0.00031%); highest among the groups gnomAD compares: African/African-American, 0.0053%; no homozygotes.

Submissions (2):

Ambry Genetics
Classification: Likely benign for Cardiovascular phenotype. Last evaluated: 2026-02-06. Review status: criteria provided, single submitter. Criteria: Ambry Variant Classification Scheme 2023. Collection method: clinical testing. Allele origin: germline.

Labcorp Genetics (formerly Invitae), Labcorp
Classification: Uncertain significance for Alstrom syndrome. Last evaluated: 2022-06-25. Review status: criteria provided, single submitter. Criteria: Invitae Variant Classification Sherloc (09022015). Collection method: clinical testing. Allele origin: germline.
Comment: This sequence change replaces tyrosine, which is neutral and polar, with phenylalanine, which is neutral and non-polar, at codon 2153 of the ALMS1 protein (p.Tyr2153Phe). This variant is not present in population databases (gnomAD no frequency). This variant has not been reported in the literature in individuals affected with ALMS1-related conditions. Experimental studies and prediction algorithms are not available or were not evaluated, and the functional significance of this variant is currently unknown. In summary, the available evidence is currently insufficient to determine the role of this variant in disease. Therefore, it has been classified as a Variant of Uncertain Significance.

NM_001378454.1(ALMS1):c.6455A>T (p.Tyr2152Phe)

Gene: ALMS1 (ALMS1 centrosome and basal body associated protein; plus strand). Cytogenetic location: 2p13.1.
Variant type: single nucleotide variant.
Coding change: c.6455A>T on transcript NM_001378454.1 (MANE Select); coding-DNA position 6455, A replaced by T.
Protein change: p.Tyr2152Phe; replaces tyrosine 2152 with phenylalanine.
Molecular consequence: missense variant.
Genome position (GRCh38, 1-based): chr2:73,452,982, A>T. VCF-style: chr2-73452982-A-T. GRCh37 (hg19) VCF-style: chr2-73680109-A-T.
Other names: c.6458A>T, p.Tyr2153Phe (NM_015120.4); short protein forms Y2153F, Y2152F.
Identifiers: ClinVar variation 2061641 (VCV002061641.2), dbSNP rs1014759835, ClinGen allele CA50397804.
Genomic context (GRCh38, chr2:73,452,982, plus strand): 5'-CAGTATTACCAACAGCTCTTCCTAGTTCCTTTTCACATCGAGAGAAACCAGATATTTTCT[A>T]TCAAAAGGATTTGCCAGATAGACATCTAACTGAAGATGCTCTAAAGATCTCAAGTGCTCT-3'
Protein context (NP_001365383.1, residues 2142-2162): FSHREKPDIF[Tyr2152Phe]QKDLPDRHLT